The following is an entry in ClinVar:

NM_014484.5(MOCS3):c.109G>C (p.Glu37Gln)

Gene: MOCS3 (molybdenum cofactor synthesis 3; plus strand). Cytogenetic location: 20q13.13.
Variant type: single nucleotide variant.
Coding change: c.109G>C on transcript NM_014484.5 (MANE Select); coding-DNA position 109, G replaced by C.
Protein change: p.Glu37Gln; replaces glutamic acid 37 with glutamine.
Molecular consequence: missense variant.
Genome position (GRCh38, 1-based): chr20:50,958,951, G>C. VCF-style: chr20-50958951-G-C. GRCh37 (hg19) VCF-style: chr20-49575488-G-C.
Other names: short protein forms E37Q.
Identifiers: ClinVar variation 1370236 (VCV001370236.8), dbSNP rs200006912, ClinGen allele CA9909349.

ClinVar aggregate classification (germline): Uncertain significance (1 of 4 stars; one submission).

Allele frequency attached by ClinVar (database versions not stated): ExAC 0.00001; gnomAD exomes 0.00001.
gnomAD v4.1: 15 of 1,610,928 alleles (0.00093%); highest among the groups gnomAD compares: South Asian, 0.0055%; 1 homozygote.

Submission:

Labcorp Genetics (formerly Invitae), Labcorp
Classification: Uncertain significance. Last evaluated: 2023-05-16. Review status: criteria provided, single submitter. Criteria: Invitae Variant Classification Sherloc (09022015). Collection method: clinical testing. Allele origin: germline.
Comment: In summary, the available evidence is currently insufficient to determine the role of this variant in disease. Therefore, it has been classified as a Variant of Uncertain Significance. An algorithm developed to predict the effect of missense changes on protein structure and function (PolyPhen-2) suggests that this variant is likely to be tolerated. ClinVar contains an entry for this variant (Variation ID: 1370236). This variant has not been reported in the literature in individuals affected with MOCS3-related conditions. This variant is not present in population databases (gnomAD no frequency). This sequence change replaces glutamic acid, which is acidic and polar, with glutamine, which is neutral and polar, at codon 37 of the MOCS3 protein (p.Glu37Gln).